The following is an entry in ClinVar:

ClinVar aggregate classification (germline): Pathogenic. Review status: criteria provided, single submitter (1 of 4 stars). 2 submissions from 2 submitters: Pathogenic (1). 1 of the submissions does not count toward it. Last evaluated 2023-07-17.

Conditions:
Familial adenomatous polyposis 1 (FAP1). Also called: FAMILIAL ADENOMATOUS POLYPOSIS 1, ATTENUATED; POLYPOSIS, ADENOMATOUS INTESTINAL. Identifiers: MedGen C2713442, MONDO:0021056, OMIM 175100. Disease mechanism: loss of function.

Submissions (2):

Labcorp Genetics (formerly Invitae), Labcorp
Classification: Pathogenic for Familial adenomatous polyposis 1. Last evaluated: 2023-07-17. Review status: criteria provided, single submitter. Criteria: Invitae Variant Classification Sherloc (09022015). Collection method: clinical testing. Allele origin: germline.
Comment: For these reasons, this variant has been classified as Pathogenic. ClinVar contains an entry for this variant (Variation ID: 942221). This variant has not been reported in the literature in individuals affected with APC-related conditions. This variant is not present in population databases (gnomAD no frequency). This sequence change creates a premature translational stop signal (p.Asp183Tyrfs*9) in the APC gene. It is expected to result in an absent or disrupted protein product. Loss-of-function variants in APC are known to be pathogenic (PMID: 17963004, 20685668).

Department of Pathology and Laboratory Medicine, Sinai Health System
Classification: Uncertain significance. Review status: no assertion criteria provided. Collection method: clinical testing. Allele origin: unknown. Affected: yes. Observed: 2 variant alleles. Study: The Canadian Open Genetics Repository (COGR). Not counted in ClinVar's aggregate classification.

Literature cited by the submitters: PubMed 17963004 (cited by Labcorp Genetics (formerly Invitae), Labcorp); PubMed 20685668 (cited by Labcorp Genetics (formerly Invitae), Labcorp).

NM_000038.6(APC):c.547_548del (p.Asp183fs)

Gene: APC (APC regulator of Wnt signaling pathway; plus strand). Cytogenetic location: 5q22.2.
Variant type: Deletion.
Coding change: c.547_548del on transcript NM_000038.6 (MANE Select); coding-DNA positions 547 to 548, 2 bases deleted (GA; older notation c.547_548delGA).
Protein change: p.Asp183fs; shifts the reading frame from aspartic acid 183.
Molecular consequence: frameshift variant. On other transcripts: 5 prime UTR variant (1).
Genome position (GRCh38, 1-based): chr5:112,780,805-112,780,806, GA deleted; deleting any 2 consecutive bases within chr5:112,780,804-112,780,806 gives the same sequence; the c. name uses the placement nearest the transcript's 3' end. VCF-style (leftmost placement, unchanged base first): chr5-112780803-CAG-C. GRCh37 (hg19) VCF-style: chr5-112116500-CAG-C.
Other names: c.547_548del, p.Asp183fs (NM_001127510.3, NM_001354895.2, NM_001354896.2 and 2 more transcripts); c.577_578del, p.Asp193fs (NM_001127511.3, NM_001354897.2, NM_001354902.2); c.472_473del, p.Asp158fs (NM_001354898.2, NM_001354904.2); c.370_371del, p.Asp124fs (NM_001354900.2, NM_001354901.2, NM_001354905.2); c.-489_-488del (NM_001354906.2); short protein forms D183fs, D124fs, D158fs, D193fs.
Identifiers: ClinVar variation 942221 (VCV000942221.10), dbSNP rs1758238807, ClinGen allele CA1139658979.